The following is an entry in ClinVar:

NM_001165963.4(SCN1A):c.5581C>T (p.Arg1861Trp)

Genes: SCN1A (sodium voltage-gated channel alpha subunit 1; minus strand), LOC102724058 (uncharacterized LOC102724058; plus strand). Cytogenetic location: 2q24.3.
Variant type: single nucleotide variant.
Coding change: c.5581C>T on transcript NM_001165963.4 (MANE Select); coding-DNA position 5581, C replaced by T.
Protein change: p.Arg1861Trp; replaces arginine 1861 with tryptophan.
Molecular consequence: missense variant. On other transcripts: non-coding transcript variant (1).
Genome position (GRCh38, 1-based): chr2:165,991,694, G>A on the plus strand (C>T on the coding strand, the complement: SCN1A is on the minus strand). VCF-style: chr2-165991694-G-A. GRCh37 (hg19) VCF-style: chr2-166848204-G-A.
Other names: c.5545C>T, p.Arg1849Trp (NM_001353955.2, NM_001353954.2); c.5497C>T, p.Arg1833Trp (NM_001353957.2, NM_001353958.2, NM_001165964.3); c.5494C>T, p.Arg1832Trp (NM_001353960.2); c.3139C>T, p.Arg1047Trp (NM_001353961.2); c.5548C>T, p.Arg1850Trp (NM_006920.6, NM_001353949.2, NM_001353950.2 and 2 more transcripts); c.5581C>T, p.Arg1861Trp (NM_001202435.3, NM_001353948.2); short protein forms R1047W, R1832W, R1833W, R1849W, R1850W, R1861W.
Identifiers: ClinVar variation 1048587 (VCV001048587.13), dbSNP rs760906812, ClinGen allele CA349065361.
Genomic context (GRCh38, chr2:165,991,694, plus strand): 5'-CTCCACTCTCTCCTAGAACCCGCTTTGTAAAAGCAAATAAGATATCAAGACAGTGGATCC[G>A]GTCACCACTCACCATGGGCAAATCCATGGCAATGAGCTGGAGTTTGTTTGGTTGTGGCAG-3'
Protein context (NP_001159435.1, residues 1851-1871): AMDLPMVSGD[Arg1861Trp]IHCLDILFAF

ClinVar aggregate classification (germline): Pathogenic/Likely pathogenic. Review status: criteria provided, multiple submitters, no conflicts (2 of 4 stars). 3 submissions from 3 submitters: Pathogenic (2); Likely pathogenic (1). Last evaluated 2025-01-09.

Conditions:
Seizure. Also called: Seizures. Identifiers: MedGen C0036572, HP:0001250.
Early-infantile DEE. Also called: Early infantile epileptic encephalopathy; Early infantile epileptic encephalopathy with suppression bursts; Ohtahara syndrome. Identifiers: Orphanet 1934, MedGen C0393706, MONDO:0800491.
Generalized epilepsy with febrile seizures plus, type 2 (GEFSP2). Also called: GEFS+, TYPE 2. Identifiers: Orphanet 36387, MedGen C1858673, MONDO:0011461, OMIM 604403.
Severe myoclonic epilepsy in infancy (DRVT). Also called: Dravet syndrome; SEVERE MYOCLONIC EPILEPSY OF INFANCY; DEVELOPMENTAL AND EPILEPTIC ENCEPHALOPATHY 6A; Severe Myoclonic Epilepsy in Infancy (SMEI); Epileptic encephalopathy, early infantile, 6 (Dravet syndrome). Identifiers: Orphanet 33069, MedGen C0751122, MONDO:0100135, OMIM 607208.

Allele frequency attached by ClinVar (database versions not stated): gnomAD exomes below 0.00001.
gnomAD v4.1: 1 of 1,613,840 alleles (0.000062%); highest among the groups gnomAD compares: South Asian, 0.0011%; no homozygotes.

Submissions (3):

Department of Neurology, Zibo Changguo Hospital
Classification: Likely pathogenic for Generalized epilepsy with febrile seizures plus, type 2; Severe myoclonic epilepsy in infancy. Last evaluated: 2025-01-09. Review status: criteria provided, single submitter. Criteria: ACMG Guidelines, 2015. Collection method: clinical testing. Allele origin: maternal. Inheritance: Autosomal dominant inheritance. Affected: yes.
Comment: PM1, PM2_Supporting, PP2, PP3_Moderate

Labcorp Genetics (formerly Invitae), Labcorp
Classification: Pathogenic for Early-infantile DEE. Last evaluated: 2024-03-11. Review status: criteria provided, single submitter. Criteria: Invitae Variant Classification Sherloc (09022015). Collection method: clinical testing. Allele origin: germline.
Comment: This sequence change replaces arginine, which is basic and polar, with tryptophan, which is neutral and slightly polar, at codon 1861 of the SCN1A protein (p.Arg1861Trp). This variant is not present in population databases (gnomAD no frequency). This missense change has been observed in individual(s) with SCN1A-related conditions (PMID: 23195492, 31031587, 31302675). In at least one individual the variant was observed to be de novo. ClinVar contains an entry for this variant (Variation ID: 1048587). Advanced modeling of protein sequence and biophysical properties (such as structural, functional, and spatial information, amino acid conservation, physicochemical variation, residue mobility, and thermodynamic stability) performed at Invitae indicates that this missense variant is expected to disrupt SCN1A protein function with a positive predictive value of 95%. For these reasons, this variant has been classified as Pathogenic.

Cytogénomique, Hospices Civils de Lyon
Classification: Pathogenic for Seizure. Last evaluated: 2021-04-01. Review status: criteria provided, single submitter. Criteria: ACMG Guidelines, 2015. Collection method: clinical testing. Allele origin: de novo. Inheritance: Sporadic. Affected: yes. Observed: 1 variant allele, 1 heterozygote.
Comment: absent from gnomad. Already reported pathogenic. Predicted deleterious.

Literature cited by the submitters: PubMed 23195492 (cited by Labcorp Genetics (formerly Invitae), Labcorp); PubMed 31031587 (cited by Labcorp Genetics (formerly Invitae), Labcorp); PubMed 31302675 (cited by Labcorp Genetics (formerly Invitae), Labcorp).